The following is an entry in ClinVar:

NM_001277313.2(FMN1):c.351G>A (p.Gly117=)

Gene: FMN1 (formin 1; minus strand). Cytogenetic location: 15q13.3.
Variant type: single nucleotide variant.
Coding change: c.351G>A on transcript NM_001277313.2 (MANE Select); coding-DNA position 351, G replaced by A.
Protein change: p.Gly117=; no amino-acid change (glycine 117 retained).
Molecular consequence: synonymous variant.
Genome position (GRCh38, 1-based): chr15:33,154,564, C>T on the plus strand (G>A on the coding strand, the complement: FMN1 is on the minus strand). VCF-style: chr15-33154564-C-T. GRCh37 (hg19) VCF-style: chr15-33446765-C-T.
Other names: c.351G>A, p.Gly117= (NM_001277314.2).
Identifiers: ClinVar variation 4751626 (VCV004751626.1).

ClinVar aggregate classification (germline): Uncertain significance (1 of 4 stars; one submission).

gnomAD v4.1: 63 of 1,536,006 alleles (0.0041%); highest among the groups gnomAD compares: African/African-American, 0.0068%; no homozygotes.

Submission:

Labcorp Genetics (formerly Invitae), Labcorp
Classification: Uncertain significance. Last evaluated: 2025-12-03. Review status: criteria provided, single submitter. Criteria: Invitae Variant Classification Sherloc (09022015). Collection method: clinical testing. Allele origin: germline.
Comment: The FMN1 gene has multiple clinically relevant transcripts. This variant occurs in alternate transcript NM_001277314.1, and corresponds to NM_001103184.3:c.-86680G>A in the primary transcript. This sequence change affects codon 117 of the FMN1 mRNA. It is a 'silent' change, meaning that it does not change the encoded amino acid sequence of the FMN1 protein. This variant is present in population databases (no rsID available, gnomAD 0.007%). This variant has not been reported in the literature in individuals affected with FMN1-related conditions. Experimental studies and prediction algorithms are not available or were not evaluated, and the effect of this variant on mRNA splicing is currently unknown. In summary, the available evidence is currently insufficient to determine the role of this variant in disease. Therefore, it has been classified as a Variant of Uncertain Significance.